The following is an entry in ClinVar:

NM_001048174.2(MUTYH):c.101C>G (p.Pro34Arg)

Gene: MUTYH (mutY DNA glycosylase; minus strand). Cytogenetic location: 1p34.1.
Variant type: single nucleotide variant.
Coding change: c.101C>G on transcript NM_001048174.2 (MANE Select); coding-DNA position 101, C replaced by G.
Protein change: p.Pro34Arg; replaces proline 34 with arginine.
Molecular consequence: missense variant. On other transcripts: 5 prime UTR variant (7), non-coding transcript variant (7).
Genome position (GRCh38, 1-based): chr1:45,334,405, G>C on the plus strand (C>G on the coding strand, the complement: MUTYH is on the minus strand). VCF-style: chr1-45334405-G-C. GRCh37 (hg19) VCF-style: chr1-45800077-G-C.
Other names: c.101C>G, p.Pro34Arg (NM_001048171.2, NM_001048172.2, NM_001048173.2 and 15 more transcripts); c.143C>G, p.Pro48Arg (NM_001128425.2, NM_001293190.2, NM_001407069.1 and 2 more transcripts); c.-112C>G (NM_001293192.2, NM_001293196.2, NM_001407091.1); c.-171C>G (NM_001350650.2); c.-107C>G (NM_001350651.2, NM_001407082.1); c.-56C>G (NM_001407075.1); c.119C>G, p.Pro40Arg (NM_001407087.1); short protein forms P34R, P40R, P48R.
Identifiers: ClinVar variation 4113248 (VCV004113248.1).

ClinVar aggregate classification (germline): Uncertain significance (1 of 4 stars; one submission).

Conditions:
Hereditary cancer-predisposing syndrome. Also called: Tumor predisposition; Neoplastic Syndromes, Hereditary; Hereditary neoplastic syndrome; Hereditary Cancer Syndrome. Identifiers: Orphanet 140162, MedGen C0027672, MeSH D009386, MONDO:0015356.

Submission:

Ambry Genetics
Classification: Uncertain significance for Hereditary cancer-predisposing syndrome. Last evaluated: 2025-08-27. Review status: criteria provided, single submitter. Criteria: Ambry Variant Classification Scheme 2023. Collection method: clinical testing. Allele origin: germline.
Comment: The p.P48R variant (also known as c.143C>G), located in coding exon 2 of the MUTYH gene, results from a C to G substitution at nucleotide position 143. The proline at codon 48 is replaced by arginine, an amino acid with dissimilar properties. This amino acid position is conserved. In addition, this alteration is predicted to be tolerated by in silico analysis. Based on the available evidence, the clinical significance of this variant remains unclear.